The following is an entry in ClinVar:

ClinVar aggregate classification (germline): Uncertain significance (1 of 4 stars; one submission).

Conditions:
Brugada syndrome. Also called: Sudden unexpected nocturnal death syndrome; Sudden Unexplained Death Syndrome; Sudden unexplained nocturnal death syndrome; Sudden Unexplained Nocturnal Death Syndrome (SUNDS). Identifiers: Orphanet 130, MedGen C1142166, MONDO:0015263.

Allele frequency attached by ClinVar (database versions not stated): gnomAD exomes below 0.00001; TOPMed below 0.00001; ExAC 0.00001; gnomAD 0.00001; 1000 Genomes Project 0.00020; 1000 Genomes Project 30x 0.00031.
gnomAD v4.1: 2 of 1,595,218 alleles (0.00013%); highest among the groups gnomAD compares: Non-Finnish European, 0.00017%; no homozygotes.

Submission:

Labcorp Genetics (formerly Invitae), Labcorp
Classification: Uncertain significance for Brugada syndrome. Last evaluated: 2022-06-22. Review status: criteria provided, single submitter. Criteria: Invitae Variant Classification Sherloc (09022015). Collection method: clinical testing. Allele origin: germline.
Comment: In summary, the available evidence is currently insufficient to determine the role of this variant in disease. Therefore, it has been classified as a Variant of Uncertain Significance. Algorithms developed to predict the effect of missense changes on protein structure and function (SIFT, PolyPhen-2, Align-GVGD) all suggest that this variant is likely to be tolerated. This variant has not been reported in the literature in individuals affected with CACNA2D1-related conditions. This variant is present in population databases (rs554171052, gnomAD 0.0009%). This sequence change replaces valine, which is neutral and non-polar, with isoleucine, which is neutral and non-polar, at codon 786 of the CACNA2D1 protein (p.Val786Ile).

NM_000722.4(CACNA2D1):c.2356G>A (p.Val786Ile)

Gene: CACNA2D1 (calcium voltage-gated channel auxiliary subunit alpha2delta 1; minus strand). Cytogenetic location: 7q21.11.
Variant type: single nucleotide variant.
Coding change: c.2356G>A on transcript NM_000722.4 (MANE Select); coding-DNA position 2356, G replaced by A.
Protein change: p.Val786Ile; replaces valine 786 with isoleucine.
Molecular consequence: missense variant.
Genome position (GRCh38, 1-based): chr7:81,968,926, C>T on the plus strand (G>A on the coding strand, the complement: CACNA2D1 is on the minus strand). VCF-style: chr7-81968926-C-T. GRCh37 (hg19) VCF-style: chr7-81598242-C-T.
Other names: c.2392G>A, p.Val798Ile (NM_001366867.1); short protein forms V798I, V786I.
Identifiers: ClinVar variation 1955640 (VCV001955640.5), dbSNP rs554171052, ClinGen allele CA4317641.